The following is an entry in ClinVar:

NM_172107.4(KCNQ2):c.566G>T (p.Gly189Val)

Gene: KCNQ2 (potassium voltage-gated channel subfamily Q member 2; minus strand). Cytogenetic location: 20q13.33.
Variant type: single nucleotide variant.
Coding change: c.566G>T on transcript NM_172107.4 (MANE Select); coding-DNA position 566, G replaced by T.
Protein change: p.Gly189Val; replaces glycine 189 with valine.
Molecular consequence: missense variant.
Genome position (GRCh38, 1-based): chr20:63,444,783, C>A on the plus strand (G>T on the coding strand, the complement: KCNQ2 is on the minus strand). VCF-style: chr20-63444783-C-A. GRCh37 (hg19) VCF-style: chr20-62076136-C-A.
Other names: c.566G>T, p.Gly189Val (NM_004518.6, NM_172106.3, NM_172108.5 and 1 more transcripts); short protein forms G189V.
Identifiers: ClinVar variation 369751 (VCV000369751.3), dbSNP rs1057516083, ClinGen allele CA10654828.

ClinVar aggregate classification (germline): Pathogenic. Review status: criteria provided, single submitter (1 of 4 stars). 2 submissions from 2 submitters: Pathogenic (1). 1 of the submissions does not count toward it. Last evaluated 2024-10-28.

Conditions:
Developmental and epileptic encephalopathy, 7 (DEE7). Also called: KCNQ2-Related Neonatal Epileptic Encephalopathy; Early infantile epileptic encephalopathy 7; KCNQ2-Related Neonatal-Onset Developmental and Epileptic Encephalopathy (NEO-DEE). Identifiers: Orphanet 439218, MedGen C3150986, MONDO:0013387, OMIM 613720.

Submissions (2):

GeneDx
Classification: Pathogenic. Last evaluated: 2024-10-28. Review status: criteria provided, single submitter. Criteria: GeneDx Variant Classification Process June 2021. Collection method: clinical testing. Allele origin: germline. Affected: yes.
Comment: In silico analysis supports that this missense variant has a deleterious effect on protein structure/function; This substitution is predicted to be within the extracellular loop between the S3 and S4 transmembrane segments; Not observed at significant frequency in large population cohorts (gnomAD); This variant is associated with the following publications: (PMID: 25959266, 20437616, 23692823)

GeneReviews
No classification provided. Condition: Developmental and epileptic encephalopathy, 7. Review status: no classification provided. Collection method: literature only. Allele origin: germline. Affected: yes. Not counted in ClinVar's aggregate classification.
Comment: EE (epileptic encephalopathy)

Literature cited by the submitters: PubMed 25959266 (cited by GeneReviews); NCBI Bookshelf NBK32534 (cited by GeneReviews).